The following is an entry in ClinVar:

NC_012920.1:m.8290_13790del

Genes: MT-ATP6 (mitochondrially encoded ATP synthase 6; plus strand), MT-ATP8 (mitochondrially encoded ATP synthase 8; plus strand), MT-CO3 (mitochondrially encoded cytochrome c oxidase III; plus strand), MT-ND3 (mitochondrially encoded NADH dehydrogenase 3; plus strand), MT-ND4 (mitochondrially encoded NADH dehydrogenase 4; plus strand) and 8 more.
Variant type: Deletion.
Identifiers: ClinVar variation 5021158 (VCV005021158.1).

ClinVar aggregate classification (germline): Pathogenic (1 of 4 stars; one submission).

Conditions:
Pearson syndrome. Also called: SIDEROBLASTIC ANEMIA WITH MARROW CELL VACUOLIZATION AND EXOCRINE PANCREATIC DYSFUNCTION; Pearson marrow-pancreas syndrome; Pearson's syndrome. Identifiers: Orphanet 699, MedGen C0342784, MONDO:0010797, OMIM 557000.

Submission:

Gene Mapping Laboratory, Hacettepe University
Classification: Pathogenic for Pearson syndrome. Last evaluated: 2026-10-20. Review status: criteria provided, single submitter. Criteria: ACMG Mitochondrial DNA Guidelines, 2020. Collection method: research. Allele origin: de novo. Inheritance: Mitochondrial inheritance. Affected: yes. Observed: 1 variant allele, 1 heterozygote.
Comment: This variant results in the deletion of 2 critical mitochondrial regions, including MT-NC7 and MT-ND5 (PVS1). This variation is not present among gnomAD mitochondrial variants (PM2), and the patient's phenotype is highly compatible with Pearson Syndrome (PP4).